The following is an entry in ClinVar:

ClinVar aggregate classification (germline): Conflicting classifications of pathogenicity. Review status: criteria provided, conflicting classifications (1 of 4 stars). 3 submissions from 3 submitters: Uncertain significance (2); Likely benign (1). Last evaluated 2024-10-25.

Allele frequency attached by ClinVar (database versions not stated): gnomAD 0.00005; TOPMed 0.00007; gnomAD exomes 0.00009; ESP Exome Variant Server 0.00015; ExAC 0.00018.
gnomAD v4.1: 125 of 1,554,984 alleles (0.008%); highest among the groups gnomAD compares: Non-Finnish European, 0.011%; no homozygotes.

Submissions (3):

Blueprint Genetics
Classification: Likely benign. Last evaluated: 2024-10-25. Review status: criteria provided, single submitter. Criteria: ACMG Guidelines, 2015. Collection method: clinical testing. Allele origin: germline.

Ambry Genetics
Classification: Uncertain significance. Last evaluated: 2024-07-22. Review status: criteria provided, single submitter. Criteria: Ambry Variant Classification Scheme 2023. Collection method: clinical testing. Allele origin: germline.

Labcorp Genetics (formerly Invitae), Labcorp
Classification: Uncertain significance. Last evaluated: 2022-07-23. Review status: criteria provided, single submitter. Criteria: Invitae Variant Classification Sherloc (09022015). Collection method: clinical testing. Allele origin: germline.
Comment: In summary, the available evidence is currently insufficient to determine the role of this variant in disease. Therefore, it has been classified as a Variant of Uncertain Significance. Algorithms developed to predict the effect of missense changes on protein structure and function output the following: SIFT: "Tolerated"; PolyPhen-2: "Benign"; Align-GVGD: "Class C0". The serine amino acid residue is found in multiple mammalian species, which suggests that this missense change does not adversely affect protein function. This variant has not been reported in the literature in individuals affected with CASZ1-related conditions. The frequency data for this variant in the population databases is considered unreliable, as metrics indicate poor data quality at this position in the gnomAD database. This sequence change replaces proline, which is neutral and non-polar, with serine, which is neutral and polar, at codon 818 of the CASZ1 protein (p.Pro818Ser).

NM_001079843.3(CASZ1):c.2452C>T (p.Pro818Ser)

Gene: CASZ1 (castor zinc finger 1; minus strand). Cytogenetic location: 1p36.22.
Variant type: single nucleotide variant.
Coding change: c.2452C>T on transcript NM_001079843.3 (MANE Select); coding-DNA position 2452, C replaced by T.
Protein change: p.Pro818Ser; replaces proline 818 with serine.
Molecular consequence: missense variant.
Genome position (GRCh38, 1-based): chr1:10,653,605, G>A on the plus strand (C>T on the coding strand, the complement: CASZ1 is on the minus strand). VCF-style: chr1-10653605-G-A. GRCh37 (hg19) VCF-style: chr1-10713662-G-A.
Other names: c.2452C>T, p.Pro818Ser (NM_017766.5); c.2452C>T (NM_001079843.1); short protein forms P818S.
Identifiers: ClinVar variation 2187217 (VCV002187217.6), dbSNP rs376768786, ClinGen allele CA584872.